The following is an entry in ClinVar:

ClinVar aggregate classification (germline): Uncertain significance. Review status: criteria provided, multiple submitters, no conflicts (2 of 4 stars). 2 submissions from 2 submitters: Uncertain significance (2). Last evaluated 2023-11-06.

Conditions:
Hereditary cancer-predisposing syndrome. Also called: Neoplastic Syndromes, Hereditary; Tumor predisposition; Hereditary neoplastic syndrome; Hereditary Cancer Syndrome. Identifiers: Orphanet 140162, MedGen C0027672, MeSH D009386, MONDO:0015356.

Allele frequency attached by ClinVar (database versions not stated): gnomAD exomes below 0.00001; TOPMed 0.00001.
gnomAD v4.1: 1 of 1,613,824 alleles (0.000062%); highest among the groups gnomAD compares: African/African-American, 0.0013%; no homozygotes.

Submissions (2):

GeneDx
Classification: Uncertain significance. Last evaluated: 2023-11-06. Review status: criteria provided, single submitter. Criteria: GeneDx Variant Classification Process June 2021. Collection method: clinical testing. Allele origin: germline. Affected: yes.
Comment: Not observed at significant frequency in large population cohorts (gnomAD); In silico analysis supports that this missense variant does not alter protein structure/function; Absent from cases but observed in controls in a breast cancer case-control study (PMID: 30287823); This variant is associated with the following publications: (PMID: 19781682, 30287823)

Color Diagnostics, LLC DBA Color Health
Classification: Uncertain significance for Hereditary cancer-predisposing syndrome. Last evaluated: 2019-01-27. Review status: criteria provided, single submitter. Criteria: ACMG Guidelines, 2015. Collection method: clinical testing. Allele origin: germline.

NM_000051.4(ATM):c.3514G>T (p.Ala1172Ser)

Gene: ATM (ATM serine/threonine kinase; plus strand). Cytogenetic location: 11q22.3.
Variant type: single nucleotide variant.
Coding change: c.3514G>T on transcript NM_000051.4 (MANE Select); coding-DNA position 3514, G replaced by T.
Protein change: p.Ala1172Ser; replaces alanine 1172 with serine.
Molecular consequence: missense variant.
Genome position (GRCh38, 1-based): chr11:108,281,106, G>T. VCF-style: chr11-108281106-G-T. GRCh37 (hg19) VCF-style: chr11-108151833-G-T.
Other names: c.3514G>T, p.Ala1172Ser (NM_001351834.2); short protein forms A1172S.
Identifiers: ClinVar variation 628608 (VCV000628608.4), dbSNP rs779946941, ClinGen allele CA6265302.
Genomic context (GRCh38, chr11:108,281,106, plus strand): 5'-TCTGTTTTACTGACGTTGATAGCTGTGGTTTTATCCTGTAGCCCTATCTGCGAAAAACAG[G>T]CTTTGTTTGCCCTGTGTAAATCTGTGAAAGAGAATGGATTAGAACCTCACCTTGTGAAAA-3'
Protein context (NP_000042.3, residues 1162-1182): LSCSPICEKQ[Ala1172Ser]LFALCKSVKE